The following is an entry in ClinVar:

ClinVar aggregate classification (germline): Uncertain significance (1 of 4 stars; one submission).

Conditions:
Cardiovascular phenotype. Identifiers: MedGen CN230736.

Submission:

Ambry Genetics
Classification: Uncertain significance for Cardiovascular phenotype. Last evaluated: 2026-03-28. Review status: criteria provided, single submitter. Criteria: Ambry Variant Classification Scheme 2023. Collection method: clinical testing. Allele origin: germline.
Comment: The p.K12N variant (also known as c.36G>T), located in coding exon 1 of the TPM1 gene, results from a G to T substitution at nucleotide position 36. The lysine at codon 12 is replaced by asparagine, an amino acid with similar properties. This amino acid position is conserved. In addition, the in silico prediction for this alteration is inconclusive. Based on the available evidence, the clinical significance of this variant remains unclear.

NM_001018005.2(TPM1):c.36G>T (p.Lys12Asn)

Gene: TPM1 (tropomyosin 1; plus strand). Cytogenetic location: 15q22.2.
Variant type: single nucleotide variant.
Coding change: c.36G>T on transcript NM_001018005.2 (MANE Select); coding-DNA position 36, G replaced by T.
Protein change: p.Lys12Asn; replaces lysine 12 with asparagine.
Molecular consequence: missense variant. On other transcripts: non-coding transcript variant (11).
Genome position (GRCh38, 1-based): chr15:63,042,865, G>T. VCF-style: chr15-63042865-G-T. GRCh37 (hg19) VCF-style: chr15-63335064-G-T.
Other names: c.36G>T, p.Lys12Asn (NM_001407335.1, NM_001407336.1, NM_001407337.1 and 24 more transcripts); short protein forms K12N.
Identifiers: ClinVar variation 4865886 (VCV004865886.1).